The following is an entry in ClinVar:

NM_001378964.1(CDON):c.*4080G>A

Gene: CDON (cell adhesion associated, oncogene regulated; minus strand). Cytogenetic location: 11q24.2.
Variant type: single nucleotide variant.
Coding change: c.*4080G>A on transcript NM_001378964.1 (MANE Select); 4080 bases downstream of the stop codon, G replaced by A.
Molecular consequence: 3 prime UTR variant.
Genome position (GRCh38, 1-based): chr11:125,956,862, C>T on the plus strand (G>A on the coding strand, the complement: CDON is on the minus strand). VCF-style: chr11-125956862-C-T. GRCh37 (hg19) VCF-style: chr11-125826757-C-T.
Other names: c.*4080G>A (NM_001243597.3, NM_016952.6).
Identifiers: ClinVar variation 303373 (VCV000303373.5), dbSNP rs79685272, ClinGen allele CA10638262.
Genomic context (GRCh38, chr11:125,956,862, plus strand): 5'-GAGAAGCTTAAGAAGATTCTGTGGTTCTCACAGAGTTAGACTTTATTAGATAAGGGGTTT[C>T]GGCTACCCTCAAAGCTCTCAGGACTGGGGCTAGGGTTTAAGGAAGGCTTATTTAAATATG-3'

ClinVar aggregate classification (germline): Benign (1 of 4 stars; one submission).

Conditions:
Holoprosencephaly 11 (HPE11). Identifiers: Orphanet 2162, MedGen C3280215, MONDO:0013642, OMIM 614226.

Allele frequency attached by ClinVar (database versions not stated): 1000 Genomes Project 0.02296; 1000 Genomes Project 30x 0.02608; TOPMed 0.02639; gnomAD exomes 0.00179; gnomAD 0.02337 and 0.02502.
gnomAD v4.1: 5,052 of 985,742 alleles (0.51%); highest among the groups gnomAD compares: African/African-American, 8.1%; 214 homozygotes.

Submission:

Illumina Laboratory Services, Illumina
Classification: Benign for Holoprosencephaly 11. Last evaluated: 2018-01-13. Review status: criteria provided, single submitter. Criteria: ICSL Variant Classification Criteria 13 December 2019. Collection method: clinical testing. Allele origin: germline.
Comment: This variant was observed in the ICSL laboratory as part of a predisposition screen in an ostensibly healthy population. It had not been previously curated by ICSL or reported in the Human Gene Mutation Database (HGMD: prior to June 1st, 2018), and was therefore a candidate for classification through an automated scoring system. Utilizing variant allele frequency, disease prevalence and penetrance estimates, and inheritance mode, an automated score was calculated to assess if this variant is too frequent to cause the disease. Based on the score and internal cut-off values, a variant classified as benign is not then subjected to further curation. The score for this variant resulted in a classification of benign for this disease.